The following is an entry in ClinVar:

ClinVar aggregate classification (germline): Uncertain significance (1 of 4 stars; one submission).

Submission:

Ambry Genetics
Classification: Uncertain significance. Last evaluated: 2025-07-31. Review status: criteria provided, single submitter. Criteria: Ambry Variant Classification Scheme 2023. Collection method: clinical testing. Allele origin: germline.
Comment: The p.V1576M variant (also known as c.4726G>A), located in coding exon 19 of the WNK2 gene, results from a G to A substitution at nucleotide position 4726. The valine at codon 1576 is replaced by methionine, an amino acid with highly similar properties. This amino acid position is conserved. In addition, this alteration is predicted to be tolerated by in silico analysis. Based on the available evidence, the clinical significance of this variant remains unclear.

NM_006648.4(WNK2):c.4726G>A (p.Val1576Met)

Gene: WNK2 (WNK lysine deficient protein kinase 2; plus strand). Cytogenetic location: 9q22.31.
Variant type: single nucleotide variant.
Coding change: c.4726G>A on transcript NM_006648.4 (MANE Select); coding-DNA position 4726, G replaced by A.
Protein change: p.Val1576Met; replaces valine 1576 with methionine.
Molecular consequence: missense variant.
Genome position (GRCh38, 1-based): chr9:93,289,480, G>A. VCF-style: chr9-93289480-G-A. GRCh37 (hg19) VCF-style: chr9-96051762-G-A.
Other names: c.4837G>A, p.Val1613Met (NM_001282394.3); short protein forms V1613M, V1576M.
Identifiers: ClinVar variation 4201683 (VCV004201683.1).